The following is an entry in ClinVar:

NM_014714.4(IFT140):c.2261T>C (p.Val754Ala)

Gene: IFT140 (intraflagellar transport 140; minus strand). Cytogenetic location: 16p13.3.
Variant type: single nucleotide variant.
Coding change: c.2261T>C on transcript NM_014714.4 (MANE Select); coding-DNA position 2261, T replaced by C.
Protein change: p.Val754Ala; replaces valine 754 with alanine.
Molecular consequence: missense variant.
Genome position (GRCh38, 1-based): chr16:1,558,073, A>G on the plus strand (T>C on the coding strand, the complement: IFT140 is on the minus strand). VCF-style: chr16-1558073-A-G. GRCh37 (hg19) VCF-style: chr16-1608074-A-G.
Other names: short protein forms V754A.
Identifiers: ClinVar variation 886231 (VCV000886231.13), dbSNP rs754474621, ClinGen allele CA7813951.

ClinVar aggregate classification (germline): Uncertain significance. Review status: criteria provided, multiple submitters, no conflicts (2 of 4 stars). 3 submissions from 3 submitters: Uncertain significance (3). Last evaluated 2025-10-29.

Conditions:
Saldino-Mainzer syndrome (SRTD9). Also called: Renal dysplasia, retinal pigmentary dystrophy, cerebellar ataxia and skeletal dysplasia; short-rib thoracic dysplasia 9 with or without polydactyly; CONORENAL SYNDROME; SHORT-RIB THORACIC DYSPLASIA 9 WITHOUT POLYDACTYLY. Identifiers: Orphanet 140969, MedGen C1849437, MONDO:0009964, OMIM 266920.

Allele frequency attached by ClinVar (database versions not stated): gnomAD 0.00001; gnomAD exomes 0.00001 and 0.00003; ExAC 0.00002; TOPMed 0.00002.
gnomAD v4.1: 39 of 1,614,018 alleles (0.0024%); highest among the groups gnomAD compares: Non-Finnish European, 0.0033%; no homozygotes.

Submissions (3):

Labcorp Genetics (formerly Invitae), Labcorp
Classification: Uncertain significance for Saldino-Mainzer syndrome. Last evaluated: 2025-10-29. Review status: criteria provided, single submitter. Criteria: Invitae Variant Classification Sherloc (09022015). Collection method: clinical testing. Allele origin: germline.
Comment: This sequence change replaces valine, which is neutral and non-polar, with alanine, which is neutral and non-polar, at codon 754 of the IFT140 protein (p.Val754Ala). This variant is present in population databases (rs754474621, gnomAD 0.002%). This variant has not been reported in the literature in individuals affected with IFT140-related conditions. ClinVar contains an entry for this variant (Variation ID: 886231). Invitae Evidence Modeling of protein sequence and biophysical properties (such as structural, functional, and spatial information, amino acid conservation, physicochemical variation, residue mobility, and thermodynamic stability) indicates that this missense variant is not expected to disrupt IFT140 protein function with a negative predictive value of 80%. In summary, the available evidence is currently insufficient to determine the role of this variant in disease. Therefore, it has been classified as a Variant of Uncertain Significance.

Blueprint Genetics
Classification: Uncertain significance. Last evaluated: 2022-08-01. Review status: criteria provided, single submitter. Criteria: ACMG Guidelines, 2015. Collection method: clinical testing. Allele origin: germline.

Illumina Laboratory Services, Illumina
Classification: Uncertain significance for Saldino-Mainzer syndrome. Last evaluated: 2018-01-13. Review status: criteria provided, single submitter. Criteria: ICSL Variant Classification Criteria 13 December 2019. Collection method: clinical testing. Allele origin: germline.